The following is an entry in ClinVar:

NM_001364905.1(LRBA):c.4579A>G (p.Lys1527Glu)

Gene: LRBA (LPS responsive beige-like anchor protein; minus strand). Cytogenetic location: 4q31.3.
Variant type: single nucleotide variant.
Coding change: c.4579A>G on transcript NM_001364905.1 (MANE Select); coding-DNA position 4579, A replaced by G.
Protein change: p.Lys1527Glu; replaces lysine 1527 with glutamic acid.
Molecular consequence: missense variant.
Genome position (GRCh38, 1-based): chr4:150,831,967, T>C on the plus strand (A>G on the coding strand, the complement: LRBA is on the minus strand). VCF-style: chr4-150831967-T-C. GRCh37 (hg19) VCF-style: chr4-151753119-T-C.
Other names: c.4579A>G, p.Lys1527Glu (NM_001199282.3, NM_001367550.1, NM_006726.5); short protein forms K1527E.
Identifiers: ClinVar variation 1473923 (VCV001473923.6), dbSNP rs1224472528, ClinGen allele CA358446678.

ClinVar aggregate classification (germline): Uncertain significance (1 of 4 stars; one submission).

Conditions:
Combined immunodeficiency due to LRBA deficiency. Also called: Common variable immunodeficiency 8, with autoimmunity. Identifiers: Orphanet 445018, MedGen C3553512, MONDO:0013863, OMIM 614700.

Allele frequency attached by ClinVar (database versions not stated): gnomAD exomes below 0.00001 and 0.00001.
gnomAD v4.1: 3 of 1,510,868 alleles (0.0002%); highest among the groups gnomAD compares: Non-Finnish European, 0.00027%; no homozygotes.

Submission:

Labcorp Genetics (formerly Invitae), Labcorp
Classification: Uncertain significance for Combined immunodeficiency due to LRBA deficiency. Last evaluated: 2021-08-11. Review status: criteria provided, single submitter. Criteria: Invitae Variant Classification Sherloc (09022015). Collection method: clinical testing. Allele origin: germline.
Comment: In summary, the available evidence is currently insufficient to determine the role of this variant in disease. Therefore, it has been classified as a Variant of Uncertain Significance. Algorithms developed to predict the effect of missense changes on protein structure and function are either unavailable or do not agree on the potential impact of this missense change (SIFT: "Tolerated"; PolyPhen-2: "Probably Damaging"; Align-GVGD: "Class C0"). This variant has not been reported in the literature in individuals affected with LRBA-related conditions. This variant is not present in population databases (ExAC no frequency). This sequence change replaces lysine with glutamic acid at codon 1527 of the LRBA protein (p.Lys1527Glu). The lysine residue is weakly conserved and there is a small physicochemical difference between lysine and glutamic acid.